The following is an entry in ClinVar:

NM_019616.4(F7):c.1068A>G (p.Gly356=)

Gene: F7 (coagulation factor VII; plus strand). Cytogenetic location: 13q34.
Variant type: single nucleotide variant.
Coding change: c.1068A>G on transcript NM_019616.4 (MANE Select); coding-DNA position 1068, A replaced by G.
Protein change: p.Gly356=; no amino-acid change (glycine 356 retained).
Molecular consequence: synonymous variant. On other transcripts: non-coding transcript variant (1).
Genome position (GRCh38, 1-based): chr13:113,118,741, A>G. VCF-style: chr13-113118741-A-G. GRCh37 (hg19) VCF-style: chr13-113773055-A-G.
Other names: c.1134A>G, p.Gly378= (NM_000131.5); c.882A>G, p.Gly294= (NM_001267554.2).
Identifiers: ClinVar variation 4981036 (VCV004981036.1).
Genomic context (GRCh38, chr13:113,118,741, plus strand): 5'-GGTCCTCAACGTGCCCCGGCTGATGACCCAGGACTGCCTGCAGCAGTCACGGAAGGTGGG[A>G]GACTCCCCAAATATCACGGAGTACATGTTCTGTGCCGGCTACTCGGATGGCAGCAAGGAC-3'
Protein context (NP_062562.1, residues 346-366): QDCLQQSRKV[Gly356=]DSPNITEYMF

ClinVar aggregate classification (germline): Likely benign (1 of 4 stars; one submission).

Conditions:
F7-related disorder. Also called: F7-related condition.

gnomAD v4.1: 14 of 1,612,944 alleles (0.00087%); highest among the groups gnomAD compares: Admixed American, 0.0033%; no homozygotes.

Submission:

PreventionGenetics, part of Exact Sciences
Classification: Likely benign for F7-related condition. Last evaluated: 2026-05-24. Review status: criteria provided, single submitter. Criteria: ACMG Guidelines, 2015. Collection method: clinical testing. Allele origin: germline.
Comment: This variant is classified as likely benign based on ACMG/AMP sequence variant interpretation guidelines (Richards et al. 2015 PMID: 25741868, with internal and published modifications).